The following is an entry in ClinVar:

ClinVar aggregate classification (germline): Uncertain significance. Review status: criteria provided, multiple submitters, no conflicts (2 of 4 stars). 2 submissions from 2 submitters: Uncertain significance (2). Last evaluated 2025-08-02.

Conditions:
Emery-Dreifuss muscular dystrophy (EDMD). Also called: Scapuloperoneal syndrome, X-linked (formerly); Humeroperoneal neuromuscular disease, (formerly). Identifiers: Orphanet 261, MedGen C0410189, MONDO:0016830.

Allele frequency attached by ClinVar (database versions not stated): TOPMed below 0.00001; gnomAD 0.00001; ExAC 0.00002; ESP Exome Variant Server 0.00008.
gnomAD v4.1: 30 of 1,613,796 alleles (0.0019%); highest among the groups gnomAD compares: Non-Finnish European, 0.0025%; no homozygotes.

Submissions (2):

Ambry Genetics
Classification: Uncertain significance. Last evaluated: 2025-08-02. Review status: criteria provided, single submitter. Criteria: Ambry Variant Classification Scheme 2023. Collection method: clinical testing. Allele origin: germline.

Labcorp Genetics (formerly Invitae), Labcorp
Classification: Uncertain significance for Emery-Dreifuss muscular dystrophy. Last evaluated: 2025-06-20. Review status: criteria provided, single submitter. Criteria: Invitae Variant Classification Sherloc (09022015). Collection method: clinical testing. Allele origin: germline.
Comment: This sequence change replaces proline, which is neutral and non-polar, with threonine, which is neutral and polar, at codon 673 of the SUN2 protein (p.Pro673Thr). This variant is present in population databases (rs367828475, gnomAD 0.007%). This variant has not been reported in the literature in individuals affected with SUN2-related conditions. ClinVar contains an entry for this variant (Variation ID: 2309263). An algorithm developed to predict the effect of missense changes on protein structure and function (PolyPhen-2) suggests that this variant is likely to be disruptive. In summary, the available evidence is currently insufficient to determine the role of this variant in disease. Therefore, it has been classified as a Variant of Uncertain Significance.

NM_015374.3(SUN2):c.2017C>A (p.Pro673Thr)

Genes: GTPBP1 (GTP binding protein 1; plus strand), SUN2 (Sad1 and UNC84 domain containing 2; minus strand). Cytogenetic location: 22q13.1.
Variant type: single nucleotide variant.
Coding change: c.2017C>A on transcript NM_015374.3 (MANE Select); coding-DNA position 2017, C replaced by A.
Protein change: p.Pro673Thr; replaces proline 673 with threonine.
Molecular consequence: missense variant.
Genome position (GRCh38, 1-based): chr22:38,738,196, G>T on the plus strand (C>A on the coding strand, the complement: SUN2 is on the minus strand). VCF-style: chr22-38738196-G-T. GRCh37 (hg19) VCF-style: chr22-39134201-G-T.
Other names: c.2080C>A, p.Pro694Thr (NM_001199579.2, NM_001394428.1); c.2017C>A, p.Pro673Thr (NM_001199580.2, NM_001394431.1, NM_001394432.1 and 3 more transcripts); c.2110C>A, p.Pro704Thr (NM_001394427.1); c.2062C>A, p.Pro688Thr (NM_001394429.1, NM_001394430.1); c.2014C>A, p.Pro672Thr (NM_001394436.1, NM_001394437.1); c.1927C>A, p.Pro643Thr (NM_001394438.1); c.1879C>A, p.Pro627Thr (NM_001394439.1, NM_001394440.1, NM_001394441.1); c.1618C>A, p.Pro540Thr (NM_001394442.1); and 3 more; short protein forms P481T, P509T, P540T, P627T, P643T, P672T, P673T, P688T.
Identifiers: ClinVar variation 2309263 (VCV002309263.9), dbSNP rs367828475, ClinGen allele CA10235359.